The following is an entry in ClinVar:

ClinVar aggregate classification (germline): Uncertain significance (1 of 4 stars; one submission).

Conditions:
Developmental and epileptic encephalopathy, 11 (DEE11). Also called: Early infantile epileptic encephalopathy 11. Identifiers: Orphanet 1934, MedGen C3150987, MONDO:0013388, OMIM 613721.
Seizures, benign familial infantile, 3 (BFIS3). Also called: Familial neonatal seizures; CONVULSIONS, BENIGN FAMILIAL INFANTILE, 3. Identifiers: Orphanet 140927, Orphanet 306, MedGen C1843140, MONDO:0011904, OMIM 607745.

Submission:

Labcorp Genetics (formerly Invitae), Labcorp
Classification: Uncertain significance for Seizures, benign familial infantile, 3; Developmental and epileptic encephalopathy, 11. Last evaluated: 2022-06-20. Review status: criteria provided, single submitter. Criteria: Invitae Variant Classification Sherloc (09022015). Collection method: clinical testing. Allele origin: germline.
Comment: Algorithms developed to predict the effect of missense changes on protein structure and function are either unavailable or do not agree on the potential impact of this missense change (SIFT: "Deleterious"; PolyPhen-2: "Possibly Damaging"; Align-GVGD: "Class C0"). In summary, the available evidence is currently insufficient to determine the role of this variant in disease. Therefore, it has been classified as a Variant of Uncertain Significance. This variant has not been reported in the literature in individuals affected with SCN2A-related conditions. This sequence change replaces phenylalanine, which is neutral and non-polar, with serine, which is neutral and polar, at codon 539 of the SCN2A protein (p.Phe539Ser). This variant is not present in population databases (gnomAD no frequency).

NM_001040142.2(SCN2A):c.1616T>C (p.Phe539Ser)

Gene: SCN2A (sodium voltage-gated channel alpha subunit 2; plus strand). Cytogenetic location: 2q24.3.
Variant type: single nucleotide variant.
Coding change: c.1616T>C on transcript NM_001040142.2 (MANE Select); coding-DNA position 1616, T replaced by C.
Protein change: p.Phe539Ser; replaces phenylalanine 539 with serine.
Molecular consequence: missense variant.
Genome position (GRCh38, 1-based): chr2:165,315,703, T>C. VCF-style: chr2-165315703-T-C. GRCh37 (hg19) VCF-style: chr2-166172213-T-C.
Other names: c.1616T>C, p.Phe539Ser (NM_001040143.2, NM_001371246.1, NM_001371247.1 and 1 more transcripts); short protein forms F539S.
Identifiers: ClinVar variation 1475330 (VCV001475330.6), dbSNP rs2105260084, ClinGen allele CA349023929.
Genomic context (GRCh38, chr2:165,315,703, plus strand): 5'-AAAATGACAGAGTCCGAAAATCGGAATCTGAAGACAGCATAAGAAGAAAAGGTTTCCGTT[T>C]TTCCTTGGAAGGAAGTAGGCTGACATATGAAAAGAGATTTTCTTCTCCACACCAGGTAAA-3'
Protein context (NP_001035232.1, residues 529-549): EDSIRRKGFR[Phe539Ser]SLEGSRLTYE